The following is an entry in ClinVar:

ClinVar aggregate classification (germline): Likely benign. Review status: criteria provided, multiple submitters, no conflicts (2 of 4 stars). 2 submissions from 2 submitters: Likely benign (2). Last evaluated 2026-09-01.

Allele frequency attached by ClinVar (database versions not stated): gnomAD exomes 0.00002; ExAC 0.00007; gnomAD 0.00012; 1000 Genomes Project 30x 0.00016; ESP Exome Variant Server 0.00016; TOPMed 0.00019; 1000 Genomes Project 0.00020.
gnomAD v4.1: 57 of 1,613,512 alleles (0.0035%); highest among the groups gnomAD compares: African/African-American, 0.057%; no homozygotes.

Submissions (2):

CeGaT Center for Human Genetics Tuebingen
Classification: Likely benign. Last evaluated: 2026-09-01. Review status: criteria provided, single submitter. Criteria: CeGaT Center For Human Genetics Tuebingen Variant Classification Criteria Version 2. Collection method: clinical testing. Allele origin: germline. Affected: yes. Observed: 2 variant alleles.
Comment: CACNA1B: BP4, BP7

Labcorp Genetics (formerly Invitae), Labcorp
Classification: Likely benign. Last evaluated: 2025-10-01. Review status: criteria provided, single submitter. Criteria: Invitae Variant Classification Sherloc (09022015). Collection method: clinical testing. Allele origin: germline.

NM_000718.4(CACNA1B):c.1374A>G (p.Thr458=)

Gene: CACNA1B (calcium voltage-gated channel subunit alpha1 B; plus strand). Cytogenetic location: 9q34.3.
Variant type: single nucleotide variant.
Coding change: c.1374A>G on transcript NM_000718.4 (MANE Select); coding-DNA position 1374, A replaced by G.
Protein change: p.Thr458=; no amino-acid change (threonine 458 retained).
Molecular consequence: synonymous variant.
Genome position (GRCh38, 1-based): chr9:137,971,423, A>G. VCF-style: chr9-137971423-A-G. GRCh37 (hg19) VCF-style: chr9-140865875-A-G.
Other names: c.1374A>G, p.Thr458= (NM_001243812.2).
Identifiers: ClinVar variation 2139089 (VCV002139089.27), dbSNP rs367622683, ClinGen allele CA5376155.